The following is an entry in ClinVar:

ClinVar aggregate classification (germline): Uncertain significance. Review status: criteria provided, multiple submitters, no conflicts (2 of 4 stars). 2 submissions from 2 submitters: Uncertain significance (2). Last evaluated 2024-06-01.

Conditions:
Norman-Roberts syndrome (LIS2). Also called: Lissencephaly 2 (Norman-Roberts type). Identifiers: Orphanet 89844, MedGen C0796089, MONDO:0009760, OMIM 257320.
Familial temporal lobe epilepsy 7. Identifiers: Orphanet 101046, MedGen C4225327, MONDO:0014639, OMIM 616436.

Allele frequency attached by ClinVar (database versions not stated): gnomAD exomes below 0.00001.
gnomAD v4.1: 1 of 1,614,100 alleles (0.000062%); highest among the groups gnomAD compares: Non-Finnish European, 0.000085%; no homozygotes.

Submissions (2):

CeGaT Center for Human Genetics Tuebingen
Classification: Uncertain significance. Last evaluated: 2024-06-01. Review status: criteria provided, single submitter. Criteria: CeGaT Center For Human Genetics Tuebingen Variant Classification Criteria Version 2. Collection method: clinical testing. Allele origin: germline. Affected: yes. Observed: 1 variant allele.
Comment: RELN: PM2, BP4

Labcorp Genetics (formerly Invitae), Labcorp
Classification: Uncertain significance for Familial temporal lobe epilepsy 7; Norman-Roberts syndrome. Last evaluated: 2022-07-26. Review status: criteria provided, single submitter. Criteria: Invitae Variant Classification Sherloc (09022015). Collection method: clinical testing. Allele origin: germline.
Comment: This sequence change replaces asparagine, which is neutral and polar, with isoleucine, which is neutral and non-polar, at codon 1690 of the RELN protein (p.Asn1690Ile). This variant is not present in population databases (gnomAD no frequency). This variant has not been reported in the literature in individuals affected with RELN-related conditions. ClinVar contains an entry for this variant (Variation ID: 834902). Algorithms developed to predict the effect of missense changes on protein structure and function are either unavailable or do not agree on the potential impact of this missense change (SIFT: "Deleterious"; PolyPhen-2: "Possibly Damaging"; Align-GVGD: "Class C0"). In summary, the available evidence is currently insufficient to determine the role of this variant in disease. Therefore, it has been classified as a Variant of Uncertain Significance.

NM_005045.4(RELN):c.5069A>T (p.Asn1690Ile)

Gene: RELN (reelin; minus strand). Cytogenetic location: 7q22.1.
Variant type: single nucleotide variant.
Coding change: c.5069A>T on transcript NM_005045.4 (MANE Select); coding-DNA position 5069, A replaced by T.
Protein change: p.Asn1690Ile; replaces asparagine 1690 with isoleucine.
Molecular consequence: missense variant.
Genome position (GRCh38, 1-based): chr7:103,565,419, T>A on the plus strand (A>T on the coding strand, the complement: RELN is on the minus strand). VCF-style: chr7-103565419-T-A. GRCh37 (hg19) VCF-style: chr7-103205866-T-A.
Other names: c.5069A>T, p.Asn1690Ile (NM_173054.3); short protein forms N1690I.
Identifiers: ClinVar variation 834902 (VCV000834902.27), dbSNP rs1830728121, ClinGen allele CA368746194.